The following is an entry in ClinVar:

ClinVar aggregate classification (germline): Pathogenic (1 of 4 stars; one submission).

Conditions:
Retinitis pigmentosa 73 (RP73). Identifiers: Orphanet 791, MedGen C4225287, MONDO:0014687, OMIM 616544.
Mucopolysaccharidosis, MPS-III-C (MPS3C). Also called: SANFILIPPO SYNDROME C; mucopolysaccharidosis type 3C; Mucopolysaccharidosis type IIIC (Sanfilippo C); MPS IIIC (Sanfilippo Syndrome Type C); MUCOPOLYSACCHARIDOSIS, TYPE IIIC; MPS III C. Identifiers: Orphanet 581, Orphanet 79271, MedGen C0086649, MONDO:0009657, OMIM 252930.

Submission:

Labcorp Genetics (formerly Invitae), Labcorp
Classification: Pathogenic for Retinitis pigmentosa 73; Mucopolysaccharidosis, MPS-III-C. Last evaluated: 2021-04-08. Review status: criteria provided, single submitter. Criteria: Invitae Variant Classification Sherloc (09022015). Collection method: clinical testing. Allele origin: germline.
Comment: For these reasons, this variant has been classified as Pathogenic. Loss-of-function variants in HGSNAT are known to be pathogenic (PMID: 17033958, 19479962). This variant has not been reported in the literature in individuals with HGSNAT-related conditions. This variant is a gross deletion of the genomic region encompassing exons 1-5 of the HGSNAT gene, which includes the initiator codon. The 5' end of this event is unknown as it extends beyond the assayed region for this gene and therefore may encompass additional genes. The 3' boundary is likely confined to intron 5 of the HGSNAT gene. This is expected to result in an absent or disrupted protein product.

Literature cited by the submitters: PubMed 17033958; PubMed 19479962.

NC_000008.11:g.(?_43140497)_(43161507_?)del

Gene: HGSNAT (heparan-alpha-glucosaminide N-acetyltransferase; plus strand). Cytogenetic location: 8p11.21.
Variant type: Deletion.
Identifiers: ClinVar variation 832581 (VCV000832581.5).